The following is an entry in ClinVar:

ClinVar aggregate classification (germline): Pathogenic (1 of 4 stars; one submission).

Conditions:
Primary ciliary dyskinesia. Also called: Ciliary dyskinesia. Identifiers: Orphanet 244, MedGen C0008780, MONDO:0016575, HP:0012265.

Submission:

Labcorp Genetics (formerly Invitae), Labcorp
Classification: Pathogenic for Primary ciliary dyskinesia. Last evaluated: 2022-05-20. Review status: criteria provided, single submitter. Criteria: Invitae Variant Classification Sherloc (09022015). Collection method: clinical testing. Allele origin: germline.
Comment: For these reasons, this variant has been classified as Pathogenic. Algorithms developed to predict the effect of sequence changes on RNA splicing suggest that this variant may disrupt the consensus splice site. Disruption of this splice site has been observed in individual(s) with primary ciliary dyskinesia (PMID: 22416021). This variant is not present in population databases (gnomAD no frequency). This sequence change affects a donor splice site in intron 31 of the DNAH5 gene. It is expected to disrupt RNA splicing. Variants that disrupt the donor or acceptor splice site typically lead to a loss of protein function (PMID: 16199547), and loss-of-function variants in DNAH5 are known to be pathogenic (PMID: 11788826, 16627867).

Literature cited by the submitters: PubMed 22416021; PubMed 16199547; PubMed 11788826; PubMed 16627867.

NM_001369.3(DNAH5):c.5114+1G>A

Gene: DNAH5 (dynein axonemal heavy chain 5; minus strand). Cytogenetic location: 5p15.2.
Variant type: single nucleotide variant.
Coding change: c.5114+1G>A on transcript NM_001369.3 (MANE Select); the canonical splice donor site of the intron after coding-DNA position 5114, G replaced by A.
Molecular consequence: splice donor variant.
Genome position (GRCh38, 1-based): chr5:13,850,651, C>T on the plus strand (G>A on the coding strand, the complement: DNAH5 is on the minus strand). VCF-style: chr5-13850651-C-T. GRCh37 (hg19) VCF-style: chr5-13850760-C-T.
Identifiers: ClinVar variation 1996683 (VCV001996683.4), dbSNP rs878854457, ClinGen allele CA359216343.